The following is an entry in ClinVar:

NM_000057.4(BLM):c.2843C>A (p.Ala948Glu)

Gene: BLM (BLM RecQ like helicase; plus strand). Cytogenetic location: 15q26.1.
Variant type: single nucleotide variant.
Coding change: c.2843C>A on transcript NM_000057.4 (MANE Select); coding-DNA position 2843, C replaced by A.
Protein change: p.Ala948Glu; replaces alanine 948 with glutamic acid.
Molecular consequence: missense variant.
Genome position (GRCh38, 1-based): chr15:90,790,668, C>A. VCF-style: chr15-90790668-C-A. GRCh37 (hg19) VCF-style: chr15-91333898-C-A.
Other names: c.2843C>A, p.Ala948Glu (NM_001287246.2, NM_001287247.2); c.1718C>A, p.Ala573Glu (NM_001287248.2); short protein forms A573E, A948E.
Identifiers: ClinVar variation 648879 (VCV000648879.8), dbSNP rs1156545383, ClinGen allele CA393846255.

ClinVar aggregate classification (germline): Uncertain significance. Review status: criteria provided, multiple submitters, no conflicts (2 of 4 stars). 2 submissions from 2 submitters: Uncertain significance (2). Last evaluated 2025-02-23.

Conditions:
Bloom syndrome (BLM). Also called: Bloom-Torre-Machacek syndrome. Identifiers: Orphanet 125, MedGen C0005859, MONDO:0008876, OMIM 210900.
Hereditary cancer-predisposing syndrome. Also called: Neoplastic Syndromes, Hereditary; Tumor predisposition; Hereditary Cancer Syndrome; Hereditary neoplastic syndrome. Identifiers: Orphanet 140162, MedGen C0027672, MeSH D009386, MONDO:0015356.

Allele frequency attached by ClinVar (database versions not stated): TOPMed below 0.00001.

Submissions (2):

Labcorp Genetics (formerly Invitae), Labcorp
Classification: Uncertain significance for Bloom syndrome. Last evaluated: 2025-02-23. Review status: criteria provided, single submitter. Criteria: Invitae Variant Classification Sherloc (09022015). Collection method: clinical testing. Allele origin: germline.
Comment: This sequence change replaces alanine, which is neutral and non-polar, with glutamic acid, which is acidic and polar, at codon 948 of the BLM protein (p.Ala948Glu). This variant is not present in population databases (gnomAD no frequency). This variant has not been reported in the literature in individuals affected with BLM-related conditions. ClinVar contains an entry for this variant (Variation ID: 648879). Invitae Evidence Modeling of protein sequence and biophysical properties (such as structural, functional, and spatial information, amino acid conservation, physicochemical variation, residue mobility, and thermodynamic stability) indicates that this missense variant is expected to disrupt BLM protein function with a positive predictive value of 80%. In summary, the available evidence is currently insufficient to determine the role of this variant in disease. Therefore, it has been classified as a Variant of Uncertain Significance.

Ambry Genetics
Classification: Uncertain significance for Hereditary cancer-predisposing syndrome. Last evaluated: 2024-07-22. Review status: criteria provided, single submitter. Criteria: Ambry Variant Classification Scheme 2023. Collection method: clinical testing. Allele origin: germline.
Comment: The p.A948E variant (also known as c.2843C>A), located in coding exon 14 of the BLM gene, results from a C to A substitution at nucleotide position 2843. The alanine at codon 948 is replaced by glutamic acid, an amino acid with dissimilar properties. This alteration was identified in an individual diagnosed with colorectal cancer (DeRycke MS et al. Mol Genet Genomic Med, 2017 Sep;5:553-569). This amino acid position is highly conserved in available vertebrate species. In addition, this alteration is predicted to be deleterious by in silico analysis. Based on the available evidence, the clinical significance of this variant remains unclear.

Literature cited by the submitters: PubMed 28944238 (cited by Ambry Genetics).